The following is an entry in ClinVar:

NM_002693.3(POLG):c.2653A>C (p.Thr885Pro)

Gene: POLG (DNA polymerase gamma, catalytic subunit; minus strand). Cytogenetic location: 15q26.1.
Variant type: single nucleotide variant.
Coding change: c.2653A>C on transcript NM_002693.3 (MANE Select); coding-DNA position 2653, A replaced by C.
Protein change: p.Thr885Pro; replaces threonine 885 with proline.
Molecular consequence: missense variant.
Genome position (GRCh38, 1-based): chr15:89,321,206, T>G on the plus strand (A>C on the coding strand, the complement: POLG is on the minus strand). VCF-style: chr15-89321206-T-G. GRCh37 (hg19) VCF-style: chr15-89864437-T-G.
Other names: c.2653A>C, p.Thr885Pro (NM_001126131.2); short protein forms T885P.
Identifiers: ClinVar variation 4738091 (VCV004738091.1).
Genomic context (GRCh38, chr15:89,321,206, plus strand): 5'-CGTCTCCAAGCACAGCTGCAATCCACAGCTCTTGGGAGTCCACATCAGCACCCACAAGGG[T>G]GTAGCCAGGTGGGGCCTGCACCATGGCTTTCAACTCACTGCCTACTCGGTCAGGCTGTGG-3'
Protein context (NP_002684.1, residues 875-895): KAMVQAPPGY[Thr885Pro]LVGADVDSQE

ClinVar aggregate classification (germline): Uncertain significance (1 of 4 stars; one submission).

Conditions:
Progressive sclerosing poliodystrophy (MTDPS4A). Also called: Mitochondrial DNA depletion syndrome 4A (Alpers type); ALPERS PROGRESSIVE INFANTILE POLIODYSTROPHY; NEURONAL DEGENERATION OF CHILDHOOD WITH LIVER DISEASE, PROGRESSIVE; Alpers Syndrome; ALPERS DIFFUSE DEGENERATION OF CEREBRAL GRAY MATTER WITH HEPATIC CIRRHOSIS; Alpers-Huttenlocher Syndrome. Identifiers: Orphanet 726, MedGen C0205710, MONDO:0008758, OMIM 203700.

gnomAD v4.1: 2 of 1,614,026 alleles (0.00012%); highest among the groups gnomAD compares: East Asian, 0.0022%; no homozygotes.

Submission:

Labcorp Genetics (formerly Invitae), Labcorp
Classification: Uncertain significance for Progressive sclerosing poliodystrophy. Last evaluated: 2025-04-26. Review status: criteria provided, single submitter. Criteria: Invitae Variant Classification Sherloc (09022015). Collection method: clinical testing. Allele origin: germline.
Comment: This sequence change replaces threonine, which is neutral and polar, with proline, which is neutral and non-polar, at codon 885 of the POLG protein (p.Thr885Pro). This variant is present in population databases (no rsID available, gnomAD 0.01%). This missense change has been observed in individual(s) with clinical features of autosomal recessive chronic progressive external ophthalmoplegia (PMID: 37066920). Invitae Evidence Modeling of protein sequence and biophysical properties (such as structural, functional, and spatial information, amino acid conservation, physicochemical variation, residue mobility, and thermodynamic stability) indicates that this missense variant is not expected to disrupt POLG protein function with a negative predictive value of 95%. In summary, the available evidence is currently insufficient to determine the role of this variant in disease. Therefore, it has been classified as a Variant of Uncertain Significance.

Literature cited by the submitters: PubMed 37066920.